The following is an entry in ClinVar:

NM_145886.4(PIDD1):c.2474+18C>G

Gene: PIDD1 (p53-induced death domain protein 1; minus strand). Cytogenetic location: 11p15.5.
Variant type: single nucleotide variant.
Coding change: c.2474+18C>G on transcript NM_145886.4 (MANE Select); 18 bases into the intron after coding-DNA position 2474, C replaced by G.
Molecular consequence: intron variant.
Genome position (GRCh38, 1-based): chr11:799,797, G>C on the plus strand (C>G on the coding strand, the complement: PIDD1 is on the minus strand). VCF-style: chr11-799797-G-C. GRCh37 (hg19) VCF-style: chr11-799797-G-C.
Other names: c.2423+18C>G (NM_145887.4).
Identifiers: ClinVar variation 2581675 (VCV002581675.2), dbSNP rs139616380, ClinGen allele CA5789545.
Genomic context (GRCh38, chr11:799,797, plus strand): 5'-TGTCAGAATCAGGTGGGCCCTCCAGGCAGCCAGGGCTCAGCCCTGGGGCTGGCAGCCAGC[G>C]GGCAGTGGGAGCCTCACCGGAACTCGTGCCGGATGCGCTGCACCTCCCGGTAGGACACCC-3'

ClinVar aggregate classification (germline): Likely benign. Review status: criteria provided, multiple submitters, no conflicts (2 of 4 stars). 2 submissions from 2 submitters: Likely benign (2). Last evaluated 2024-09-20.

Allele frequency attached by ClinVar (database versions not stated): 1000 Genomes Project 30x 0.00094; 1000 Genomes Project 0.00120.
gnomAD v4.1: 743 of 1,531,378 alleles (0.049%); highest among the groups gnomAD compares: Middle Eastern, 0.17%; 1 homozygote.

Submissions (2):

Blueprint Genetics
Classification: Likely benign. Last evaluated: 2024-09-20. Review status: criteria provided, single submitter. Criteria: ACMG Guidelines, 2015. Collection method: clinical testing. Allele origin: germline.

Women's Health and Genetics/Laboratory Corporation of America, LabCorp
Classification: Likely benign. Last evaluated: 2023-08-11. Review status: criteria provided, single submitter. Criteria: LabCorp Variant Classification Summary - May 2015. Collection method: clinical testing. Allele origin: germline.
Comment: Variant summary: LRDD c.2474+18C>G alters a non-conserved nucleotide located at a position not widely known to affect splicing. 4/4 computational tools predict no significant impact on normal splicing. However, these predictions have yet to be confirmed by functional studies. The variant allele was found at a frequency of 0.00036 in 190458 control chromosomes. To our knowledge, no occurrence of c.2474+18C>G in individuals affected with Intellectual Developmental Disorder, Autosomal Recessive 75, With Neuropsychiatric Features And Variant Lissencephaly and no experimental evidence demonstrating its impact on protein function have been reported. No submitters have cited clinical-significance assessments for this variant to ClinVar after 2014. Based on the evidence outlined above, the variant was classified as likely benign.